The following is an entry in ClinVar:

ClinVar aggregate classification (germline): Conflicting classifications of pathogenicity. Review status: criteria provided, conflicting classifications (1 of 4 stars). 6 submissions from 6 submitters: Likely pathogenic (1); Uncertain significance (3). 2 of the submissions do not count toward it. Last evaluated 2026-01-21.

Conditions:
Argininosuccinate lyase deficiency. Also called: ARGININOSUCCINIC ACID LYASE DEFICIENCY; ASL DEFICIENCY; Argininosuccinic aciduria. Identifiers: Orphanet 23, MedGen C0268547, MONDO:0008815, OMIM 207900, HP:0025630.

Allele frequency attached by ClinVar (database versions not stated): gnomAD exomes 0.00001 and 0.00002; TOPMed 0.00001; ExAC 0.00003.

Submissions (6):

Myriad Genetics, Inc.
Classification: Uncertain significance for Argininosuccinate lyase deficiency. Last evaluated: 2026-01-21. Review status: criteria provided, single submitter. Criteria: Myriad Autosomal Dominant, Autosomal Recessive and X-Linked Classification Criteria (2023). Collection method: clinical testing. Allele origin: unknown.
Comment: NM_001024943.1(ASL):c.507G>C(W169C) is a missense variant classified as a variant of uncertain significance in the context of argininosuccinic aciduria. W169C has been observed in a case with relevant disease (PMID: 31943503). Relevant functional assessments of this variant are available in the literature (PMID: 31943503). W169C has been observed in referenced population frequency databases. In summary, there is insufficient evidence to classify NM_001024943.1(ASL):c.507G>C(W169C) as pathogenic or benign. Please note: this variant was assessed in the context of healthy population screening.

Baylor Genetics
Classification: Likely pathogenic for Argininosuccinate lyase deficiency. Last evaluated: 2023-07-03. Review status: criteria provided, single submitter. Criteria: ACMG Guidelines, 2015. Collection method: clinical testing. Allele origin: unknown.

Labcorp Genetics (formerly Invitae), Labcorp
Classification: Uncertain significance for Argininosuccinate lyase deficiency. Last evaluated: 2021-09-17. Review status: criteria provided, single submitter. Criteria: Invitae Variant Classification Sherloc (09022015). Collection method: clinical testing. Allele origin: germline.
Comment: This sequence change replaces tryptophan with cysteine at codon 169 of the ASL protein (p.Trp169Cys). The tryptophan residue is highly conserved and there is a large physicochemical difference between tryptophan and cysteine. This variant is present in population databases (rs759952363, ExAC 0.005%). This variant has been observed in individual(s) with ASL-related conditions (PMID: 31943503). ClinVar contains an entry for this variant (Variation ID: 203612). Advanced modeling of protein sequence and biophysical properties (such as structural, functional, and spatial information, amino acid conservation, physicochemical variation, residue mobility, and thermodynamic stability) performed at Invitae indicates that this missense variant is expected to disrupt ASL protein function. In summary, the available evidence is currently insufficient to determine the role of this variant in disease. Therefore, it has been classified as a Variant of Uncertain Significance.

Fulgent Genetics
Classification: Uncertain significance for Argininosuccinate lyase deficiency. Last evaluated: 2021-08-06. Review status: criteria provided, single submitter. Criteria: ACMG Guidelines, 2015. Collection method: clinical testing. Allele origin: unknown.

Natera, Inc.
Classification: Uncertain significance for Argininosuccinate lyase deficiency. Last evaluated: 2019-10-28. Review status: no assertion criteria provided. Collection method: clinical testing. Allele origin: germline. Not counted in ClinVar's aggregate classification.

Counsyl
Classification: Uncertain significance for Argininosuccinate lyase deficiency. Last evaluated: 2018-05-14. Review status: no assertion criteria provided. Collection method: clinical testing. Allele origin: unknown. Not counted in ClinVar's aggregate classification.

Literature cited by the submitters: PubMed 31943503 (cited by Myriad Genetics, Inc. and Labcorp Genetics (formerly Invitae), Labcorp).

NM_000048.4(ASL):c.507G>C (p.Trp169Cys)

Gene: ASL (argininosuccinate lyase; plus strand). Cytogenetic location: 7q11.21.
Variant type: single nucleotide variant.
Coding change: c.507G>C on transcript NM_000048.4 (MANE Select); coding-DNA position 507, G replaced by C.
Protein change: p.Trp169Cys; replaces tryptophan 169 with cysteine.
Molecular consequence: missense variant.
Genome position (GRCh38, 1-based): chr7:66,086,645, G>C. VCF-style: chr7-66086645-G-C. GRCh37 (hg19) VCF-style: chr7-65551632-G-C.
Other names: c.507G>C, p.Trp169Cys (NM_001024943.2, NM_001024944.2, NM_001024946.2); short protein forms W169C.
Identifiers: ClinVar variation 203612 (VCV000203612.13), dbSNP rs759952363, ClinGen allele CA312321.
Genomic context (GRCh38, chr7:66,086,645, plus strand): 5'-GGAACGTGATGTTCTCTTCCCGGGGTACACCCATTTGCAGAGGGCCCAGCCCATCCGCTG[G>C]AGCCACTGGATTCTGAGGTGAGCCAGGTGAGGTGCAGGGGCTGTGCTAGAGGGGAGGACC-3'
Protein context (NP_000039.2, residues 159-179): THLQRAQPIR[Trp169Cys]SHWILSHAVA